The following is an entry in ClinVar:

NM_017999.5(RNF31):c.3160_3165del (p.Leu1054_Gln1055del)

Gene: RNF31 (ring finger protein 31; plus strand). Cytogenetic location: 14q12.
Variant type: Deletion.
Coding change: c.3160_3165del on transcript NM_017999.5 (MANE Select); coding-DNA positions 3160 to 3165, 6 bases deleted (TTACAG; older notation c.3160_3165delTTACAG).
Protein change: p.Leu1054_Gln1055del.
Molecular consequence: inframe deletion.
Genome position (GRCh38, 1-based): chr14:24,160,402-24,160,407, TTACAG deleted; deleting any 6 consecutive bases within chr14:24,160,401-24,160,407 gives the same sequence; the c. name uses the placement nearest the transcript's 3' end. VCF-style (leftmost placement, unchanged base first): chr14-24160400-TGTTACA-T. GRCh37 (hg19) VCF-style: chr14-24629609-TGTTACA-T.
Other names: c.2707_2712del, p.Leu903_Gln904del (NM_001310332.2).
Identifiers: ClinVar variation 1443107 (VCV001443107.6), dbSNP rs2139097400, ClinGen allele CA2573149894.

ClinVar aggregate classification (germline): Uncertain significance (1 of 4 stars; one submission).

Submission:

Labcorp Genetics (formerly Invitae), Labcorp
Classification: Uncertain significance. Last evaluated: 2021-12-02. Review status: criteria provided, single submitter. Criteria: Invitae Variant Classification Sherloc (09022015). Collection method: clinical testing. Allele origin: germline.
Comment: In summary, the available evidence is currently insufficient to determine the role of this variant in disease. Therefore, it has been classified as a Variant of Uncertain Significance. Algorithms developed to predict the effect of sequence changes on RNA splicing suggest that this variant may disrupt the consensus splice site. This variant has not been reported in the literature in individuals affected with RNF31-related conditions. This variant is not present in population databases (gnomAD no frequency). This variant, c.3160_3165del, results in the deletion of 2 amino acid(s) of the RNF31 protein (p.Leu1054_Gln1055del), but otherwise preserves the integrity of the reading frame.